The following is an entry in ClinVar:

ClinVar aggregate classification (germline): Pathogenic (1 of 4 stars; one submission).

Submission:

Labcorp Genetics (formerly Invitae), Labcorp
Classification: Pathogenic. Last evaluated: 2025-09-04. Review status: criteria provided, single submitter. Criteria: Invitae Variant Classification Sherloc (09022015). Collection method: clinical testing. Allele origin: germline.
Comment: This sequence change creates a premature translational stop signal (p.Trp435*) in the EPS8L2 gene. It is expected to result in an absent or disrupted protein product. Loss-of-function variants in EPS8L2 are known to be pathogenic (PMID: 26282398, 28281779). This variant is present in population databases (no rsID available, gnomAD 0.02%). This premature translational stop signal has been observed in individual(s) with deafness (PMID: 31581539). For these reasons, this variant has been classified as Pathogenic.

Literature cited by the submitters: PubMed 26282398; PubMed 28281779; PubMed 31581539.

NM_022772.4(EPS8L2):c.1304G>A (p.Trp435Ter)

Gene: EPS8L2 (EPS8 signaling adaptor L2; plus strand). Cytogenetic location: 11p15.5.
Variant type: single nucleotide variant.
Coding change: c.1304G>A on transcript NM_022772.4 (MANE Select); coding-DNA position 1304, G replaced by A.
Protein change: p.Trp435Ter; replaces tryptophan 435 with a stop codon.
Molecular consequence: nonsense.
Genome position (GRCh38, 1-based): chr11:722,768, G>A. VCF-style: chr11-722768-G-A. GRCh37 (hg19) VCF-style: chr11-722768-G-A.
Other names: c.1304G>A, p.Trp435Ter (NM_001441192.1, NM_001441193.1); c.767G>A, p.Trp256Ter (NM_001441194.1); short protein forms W435*, W256*.
Identifiers: ClinVar variation 4695087 (VCV004695087.1).